The following is an entry in ClinVar:

NM_001608.4(ACADL):c.871-2A>G

Gene: ACADL (acyl-CoA dehydrogenase long chain; minus strand). Cytogenetic location: 2q34.
Variant type: single nucleotide variant.
Coding change: c.871-2A>G on transcript NM_001608.4 (MANE Select); the canonical splice acceptor site of the intron before coding-DNA position 871, A replaced by G.
Molecular consequence: splice acceptor variant.
Genome position (GRCh38, 1-based): chr2:210,203,446, T>C on the plus strand (A>G on the coding strand, the complement: ACADL is on the minus strand). VCF-style: chr2-210203446-T-C. GRCh37 (hg19) VCF-style: chr2-211068170-T-C.
Identifiers: ClinVar variation 2630863 (VCV002630863.1), dbSNP rs2469291517, ClinGen allele CA350420849.
Genomic context (GRCh38, chr2:210,203,446, plus strand): 5'-GTTTCTTCAAACATGAATTCACTAGCTGAAATTGCCACATCAGCAATTAACAGCCTTTCC[T>C]ATAACACAAAAATTAGGTCTTAAACATTACTCTAATTATGCAAGTGATTTTCACACAATT-3'

ClinVar aggregate classification (germline): Uncertain significance (1 of 4 stars; one submission).

Conditions:
ACADL-related disorder. Also called: ACADL-related condition.

Allele frequency attached by ClinVar (database versions not stated): gnomAD exomes below 0.00001.
gnomAD v4.1: 2 of 1,606,324 alleles (0.00012%); highest among the groups gnomAD compares: Admixed American, 0.0017%; no homozygotes.

Submission:

PreventionGenetics, part of Exact Sciences
Classification: Uncertain significance for ACADL-related condition. Last evaluated: 2023-08-16. Review status: criteria provided, single submitter. Criteria: ACMG Guidelines, 2015. Collection method: clinical testing. Allele origin: germline.
Comment: The ACADL c.871-2A>G variant is predicted to disrupt the AG splice acceptor site and interfere with normal splicing. To our knowledge, this variant has not been reported in the literature or in a large population database, indicating this variant is rare. Loss-of-function has not been established as a disease mechanism for this gene, and therefore the clinical significance of this variant is currently uncertain due to the absence of conclusive functional and genetic evidence.